The following is an entry in ClinVar:

NM_003859.3(DPM1):c.355G>A (p.Ala119Thr)

Gene: DPM1 (dolichyl-phosphate mannosyltransferase subunit 1, catalytic; minus strand). Cytogenetic location: 20q13.13.
Variant type: single nucleotide variant.
Coding change: c.355G>A on transcript NM_003859.3 (MANE Select); coding-DNA position 355, G replaced by A.
Protein change: p.Ala119Thr; replaces alanine 119 with threonine.
Molecular consequence: missense variant. On other transcripts: non-coding transcript variant (1).
Genome position (GRCh38, 1-based): chr20:50,945,864, C>T on the plus strand (G>A on the coding strand, the complement: DPM1 is on the minus strand). VCF-style: chr20-50945864-C-T. GRCh37 (hg19) VCF-style: chr20-49562401-C-T.
Other names: c.355G>A, p.Ala119Thr (NM_001317034.1, NM_001317035.1, NM_001317036.1); short protein forms A119T.
Identifiers: ClinVar variation 1482474 (VCV001482474.6), dbSNP rs2123115788, ClinGen allele CA408989673.

ClinVar aggregate classification (germline): Uncertain significance (1 of 4 stars; one submission).

Conditions:
Congenital disorder of glycosylation type 1E (CDG1E). Also called: CONGENITAL DISORDER OF GLYCOSYLATION, TYPE Ie; CDG Ie. Identifiers: Orphanet 79322, MedGen C1837396, MONDO:0012123, OMIM 608799.

Submission:

Labcorp Genetics (formerly Invitae), Labcorp
Classification: Uncertain significance for Congenital disorder of glycosylation type 1E. Last evaluated: 2021-08-31. Review status: criteria provided, single submitter. Criteria: Invitae Variant Classification Sherloc (09022015). Collection method: clinical testing. Allele origin: germline.
Comment: This sequence change replaces alanine with threonine at codon 119 of the DPM1 protein (p.Ala119Thr). The alanine residue is highly conserved and there is a small physicochemical difference between alanine and threonine. This variant is not present in population databases (ExAC no frequency). This variant has not been reported in the literature in individuals affected with DPM1-related conditions. Algorithms developed to predict the effect of missense changes on protein structure and function are either unavailable or do not agree on the potential impact of this missense change (SIFT: "Deleterious"; PolyPhen-2: "Probably Damaging"; Align-GVGD: "Class C0"). In summary, the available evidence is currently insufficient to determine the role of this variant in disease. Therefore, it has been classified as a Variant of Uncertain Significance.